The following is an entry in ClinVar:

NM_000287.4(PEX6):c.2111G>C (p.Trp704Ser)

Gene: PEX6 (peroxisomal biogenesis factor 6; minus strand). Cytogenetic location: 6p21.1.
Variant type: single nucleotide variant.
Coding change: c.2111G>C on transcript NM_000287.4 (MANE Select); coding-DNA position 2111, G replaced by C.
Protein change: p.Trp704Ser; replaces tryptophan 704 with serine.
Molecular consequence: missense variant.
Genome position (GRCh38, 1-based): chr6:42,966,431, C>G on the plus strand (G>C on the coding strand, the complement: PEX6 is on the minus strand). VCF-style: chr6-42966431-C-G. GRCh37 (hg19) VCF-style: chr6-42934169-C-G.
Other names: c.2111G>C (NM_000287.3); c.1847G>C, p.Trp616Ser (NM_001316313.2); short protein forms W616S, W704S.
Identifiers: ClinVar variation 2201188 (VCV002201188.5), dbSNP rs774799323, ClinGen allele CA3811115.
Genomic context (GRCh38, chr6:42,966,431, plus strand): 5'-GGGAGCTGAATGGTCTCCAGGATCTCCTTCTTCACCTCCTGCAGCCCACCCACATCATGC[C>G]AGGACACTGAGGGGATCTAGGAGATGGAAAGTGCGTGGTTGGGATATGCTCTTGGAGGGG-3'
Protein context (NP_000278.3, residues 694-714): VGAPKIPSVS[Trp704Ser]HDVGGLQEVK

ClinVar aggregate classification (germline): Uncertain significance. Review status: criteria provided, multiple submitters, no conflicts (2 of 4 stars). 3 submissions from 3 submitters: Uncertain significance (3). Last evaluated 2026-06-12.

Conditions:
PEX6-related disorder. Also called: PEX6-related disorders; PEX6-related condition.
Inborn genetic diseases. Identifiers: MedGen C0950123, MeSH D030342.
Peroxisome biogenesis disorder. Identifiers: Orphanet 79189, MedGen C1832200, MONDO:0019234. Disease mechanism: loss of function.

Allele frequency attached by ClinVar (database versions not stated): ExAC 0.00001; gnomAD 0.00001; gnomAD exomes 0.00002; TOPMed 0.00002.
gnomAD v4.1: 29 of 1,614,038 alleles (0.0018%); highest among the groups gnomAD compares: Non-Finnish European, 0.0023%; no homozygotes.

Submissions (3):

PreventionGenetics, part of Exact Sciences
Classification: Uncertain significance for PEX6-related condition. Last evaluated: 2026-06-12. Review status: criteria provided, single submitter. Criteria: ACMG Guidelines, 2015. Collection method: clinical testing. Allele origin: germline.
Comment: The PEX6 c.2111G>C variant is predicted to result in the amino acid substitution p.Trp704Ser. To our knowledge, this variant has not been reported in the literature. This variant is reported in 0.0023% of alleles in individuals of European (Non-Finnish) descent in gnomAD. At this time, the clinical significance of this variant is uncertain due to the absence of conclusive functional and genetic evidence.

Ambry Genetics
Classification: Uncertain significance for Inborn genetic diseases. Last evaluated: 2025-09-25. Review status: criteria provided, single submitter. Criteria: Ambry Variant Classification Scheme 2023. Collection method: clinical testing. Allele origin: germline.

Labcorp Genetics (formerly Invitae), Labcorp
Classification: Uncertain significance for Peroxisome biogenesis disorder. Last evaluated: 2022-07-24. Review status: criteria provided, single submitter. Criteria: Invitae Variant Classification Sherloc (09022015). Collection method: clinical testing. Allele origin: germline.
Comment: This sequence change replaces tryptophan, which is neutral and slightly polar, with serine, which is neutral and polar, at codon 704 of the PEX6 protein (p.Trp704Ser). This variant is present in population databases (rs774799323, gnomAD 0.002%). This variant has not been reported in the literature in individuals affected with PEX6-related conditions. Algorithms developed to predict the effect of missense changes on protein structure and function (SIFT, PolyPhen-2, Align-GVGD) all suggest that this variant is likely to be disruptive. In summary, the available evidence is currently insufficient to determine the role of this variant in disease. Therefore, it has been classified as a Variant of Uncertain Significance.